The following is an entry in ClinVar:

ClinVar aggregate classification (germline): Uncertain significance. Review status: criteria provided, multiple submitters, no conflicts (2 of 4 stars). 2 submissions from 2 submitters: Uncertain significance (2). Last evaluated 2025-01-08.

Conditions:
Inborn genetic diseases. Identifiers: MedGen C0950123, MeSH D030342.

gnomAD v4.1: 52 of 1,613,752 alleles (0.0032%); highest among the groups gnomAD compares: Non-Finnish European, 0.0042%; no homozygotes.

Submissions (2):

Ambry Genetics
Classification: Uncertain significance for Inborn genetic diseases. Last evaluated: 2025-01-08. Review status: criteria provided, single submitter. Criteria: Ambry Variant Classification Scheme 2023. Collection method: clinical testing. Allele origin: germline.

GeneDx
Classification: Uncertain significance. Last evaluated: 2024-03-11. Review status: criteria provided, single submitter. Criteria: GeneDx Variant Classification Process June 2021. Collection method: clinical testing. Allele origin: germline. Affected: yes.
Comment: In silico analysis supports that this missense variant does not alter protein structure/function; Has not been previously published as pathogenic or benign to our knowledge

NM_000844.4(GRM7):c.1603A>C (p.Thr535Pro)

Gene: GRM7 (glutamate metabotropic receptor 7; plus strand). Cytogenetic location: 3p26.1.
Variant type: single nucleotide variant.
Coding change: c.1603A>C on transcript NM_000844.4 (MANE Select); coding-DNA position 1603, A replaced by C.
Protein change: p.Thr535Pro; replaces threonine 535 with proline.
Molecular consequence: missense variant.
Genome position (GRCh38, 1-based): chr3:7,578,509, A>C. VCF-style: chr3-7578509-A-C. GRCh37 (hg19) VCF-style: chr3-7620196-A-C.
Other names: c.1603A>C, p.Thr535Pro (NM_181874.3); short protein forms T535P.
Identifiers: ClinVar variation 3370700 (VCV003370700.2).